The following is an entry in ClinVar:

ClinVar aggregate classification (germline): Uncertain significance (1 of 4 stars; one submission).

Conditions:
Inborn genetic diseases. Identifiers: MedGen C0950123, MeSH D030342.

Allele frequency attached by ClinVar (database versions not stated): gnomAD 0.00001; 1000 Genomes Project 30x 0.00016; 1000 Genomes Project 0.00020.
gnomAD v4.1: 7 of 1,613,838 alleles (0.00043%); highest among the groups gnomAD compares: Middle Eastern, 0.017%; no homozygotes.

Submission:

Ambry Genetics
Classification: Uncertain significance for Inborn genetic diseases. Last evaluated: 2021-01-27. Review status: criteria provided, single submitter. Criteria: Ambry Variant Classification Scheme 2023. Collection method: clinical testing. Allele origin: germline.
Comment: The c.586G>A (p.V196I) alteration is located in exon 4 (coding exon 4) of the FA2H gene. This alteration results from a G to A substitution at nucleotide position 586, causing the valine (V) at amino acid position 196 to be replaced by an isoleucine (I). The p.V196I alteration is predicted to be tolerated by in silico analysis. Based on insufficient or conflicting evidence, the clinical significance of this alteration remains unclear.

NM_024306.5(FA2H):c.586G>A (p.Val196Ile)

Gene: FA2H (fatty acid 2-hydroxylase; minus strand). Cytogenetic location: 16q23.1.
Variant type: single nucleotide variant.
Coding change: c.586G>A on transcript NM_024306.5 (MANE Select); coding-DNA position 586, G replaced by A.
Protein change: p.Val196Ile; replaces valine 196 with isoleucine.
Molecular consequence: missense variant.
Genome position (GRCh38, 1-based): chr16:74,726,252, C>T on the plus strand (G>A on the coding strand, the complement: FA2H is on the minus strand). VCF-style: chr16-74726252-C-T. GRCh37 (hg19) VCF-style: chr16-74760150-C-T.
Other names: short protein forms V196I.
Identifiers: ClinVar variation 2229081 (VCV002229081.2), dbSNP rs565757665, ClinGen allele CA8170481.
Genomic context (GRCh38, chr16:74,726,252, plus strand): 5'-CTCAGGGCAAGTCAGGAAAGAAACTGGCATTACCTGTTGTAAATGACGTGAAGAGTCGGA[C>T]GTTGCCCTGGGCAAAGGTTCGGTAGTAGGACCAGCTGAGATACAGCACCAGGGGCACCCA-3'
Protein context (NP_077282.3, residues 186-206): SYYRTFAQGN[Val196Ile]RLFTSFTTEY